The following is an entry in ClinVar:

NM_005902.4(SMAD3):c.-23C>T

Genes: SMAD3 (SMAD family member 3; plus strand), LOC130057352 (ATAC-STARR-seq lymphoblastoid silent region 6574; plus strand). Cytogenetic location: 15q22.33.
Variant type: single nucleotide variant.
Coding change: c.-23C>T on transcript NM_005902.4 (MANE Select); 23 bases upstream of the start codon, C replaced by T.
Molecular consequence: 5 prime UTR variant.
Genome position (GRCh38, 1-based): chr15:67,066,132, C>T. VCF-style: chr15-67066132-C-T. GRCh37 (hg19) VCF-style: chr15-67358470-C-T.
Identifiers: ClinVar variation 139215 (VCV000139215.7), dbSNP rs36221703, ClinGen allele CA020059.

ClinVar aggregate classification (germline): Benign. Review status: criteria provided, multiple submitters, no conflicts (2 of 4 stars). 3 submissions from 3 submitters: Benign (3). Last evaluated 2018-01-12.

Conditions:
Aneurysm-osteoarthritis syndrome. Also called: SMAD3-Related Loeys-Dietz Syndrome; ANEURYSMS-OSTEOARTHRITIS SYNDROME; Loeys-Dietz syndrome, type 1C; LOEYS-DIETZ SYNDROME WITH OSTEOARTHRITIS. Identifiers: Orphanet 284984, MedGen C3151087, MONDO:0013426, OMIM 613795.

Allele frequency attached by ClinVar (database versions not stated): ESP Exome Variant Server 0.00047; gnomAD 0.00185 and 0.00359; TOPMed 0.00328; gnomAD exomes 0.00346 and 0.00856; 1000 Genomes Project 30x 0.01843; 1000 Genomes Project 0.02017; ExAC 0.02068.
gnomAD v4.1: 5,581 of 1,557,014 alleles (0.36%); highest among the groups gnomAD compares: East Asian, 6.4%; 147 homozygotes.

Submissions (3):

Illumina Laboratory Services, Illumina
Classification: Benign for Aneurysm-osteoarthritis syndrome. Last evaluated: 2018-01-12. Review status: criteria provided, single submitter. Criteria: ICSL Variant Classification Criteria 13 December 2019. Collection method: clinical testing. Allele origin: germline.
Comment: This variant was observed in the ICSL laboratory as part of a predisposition screen in an ostensibly healthy population. It had not been previously curated by ICSL or reported in the Human Gene Mutation Database (HGMD: prior to June 1st, 2018), and was therefore a candidate for classification through an automated scoring system. Utilizing variant allele frequency, disease prevalence and penetrance estimates, and inheritance mode, an automated score was calculated to assess if this variant is too frequent to cause the disease. Based on the score and internal cut-off values, a variant classified as benign is not then subjected to further curation. The score for this variant resulted in a classification of benign for this disease.

GeneDx
Classification: Benign. Last evaluated: 2013-12-21. Review status: criteria provided, single submitter. Criteria: GeneDx Variant Classification (06012015). Collection method: clinical testing. Allele origin: germline. Affected: yes.
Comment: This variant is considered likely benign or benign based on one or more of the following criteria: it is a conservative change, it occurs at a poorly conserved position in the protein, it is predicted to be benign by multiple in silico algorithms, and/or has population frequency not consistent with disease.

Breakthrough Genomics
Classification: Benign. Review status: criteria provided, single submitter. Criteria: ACMG Guidelines, 2015. Collection method: not provided. Allele origin: germline. Inheritance: Autosomal dominant inheritance. Affected: yes.